The following is an entry in ClinVar:

ClinVar aggregate classification (germline): Uncertain significance (1 of 4 stars; one submission).

Allele frequency attached by ClinVar (database versions not stated): gnomAD exomes below 0.00001 and 0.00001; ExAC 0.00001; gnomAD 0.00001; TOPMed 0.00001.
gnomAD v4.1: 16 of 1,613,806 alleles (0.00099%); highest among the groups gnomAD compares: Non-Finnish European, 0.0012%; no homozygotes.

Submission:

Labcorp Genetics (formerly Invitae), Labcorp
Classification: Uncertain significance. Last evaluated: 2022-06-05. Review status: criteria provided, single submitter. Criteria: Invitae Variant Classification Sherloc (09022015). Collection method: clinical testing. Allele origin: germline.
Comment: In summary, the available evidence is currently insufficient to determine the role of this variant in disease. Therefore, it has been classified as a Variant of Uncertain Significance. Algorithms developed to predict the effect of missense changes on protein structure and function output the following: SIFT: "Not Available"; PolyPhen-2: "Benign"; Align-GVGD: "Not Available". The cysteine amino acid residue is found in multiple mammalian species, which suggests that this missense change does not adversely affect protein function. ClinVar contains an entry for this variant (Variation ID: 1413436). This variant has not been reported in the literature in individuals affected with EGF-related conditions. This variant is present in population databases (rs763112495, gnomAD 0.0009%). This sequence change replaces tyrosine with cysteine at codon 159 of the EGF protein (p.Tyr159Cys). The tyrosine residue is weakly conserved and there is a large physicochemical difference between tyrosine and cysteine.

NM_001963.6(EGF):c.476A>G (p.Tyr159Cys)

Gene: EGF (epidermal growth factor; plus strand). Cytogenetic location: 4q25.
Variant type: single nucleotide variant.
Coding change: c.476A>G on transcript NM_001963.6 (MANE Select); coding-DNA position 476, A replaced by G.
Protein change: p.Tyr159Cys; replaces tyrosine 159 with cysteine.
Molecular consequence: missense variant.
Genome position (GRCh38, 1-based): chr4:109,943,402, A>G. VCF-style: chr4-109943402-A-G. GRCh37 (hg19) VCF-style: chr4-110864558-A-G.
Other names: c.476A>G, p.Tyr159Cys (NM_001178130.3, NM_001178131.3, NM_001357021.2); short protein forms Y159C.
Identifiers: ClinVar variation 1413436 (VCV001413436.6), dbSNP rs763112495, ClinGen allele CA3043423.
Genomic context (GRCh38, chr4:109,943,402, plus strand): 5'-TCATTACAGTAACAGATATGAAAGGAAATAATTCCCACATTCTTTTAAGTGCTTTAAAAT[A>G]TCCTGCAAATGTAGCAGTTGATCCAGTAGAAAGGTAAATTCTGCTGTATTCAGACATTGA-3'
Protein context (NP_001954.2, residues 149-169): NSHILLSALK[Tyr159Cys]PANVAVDPVE